The following is an entry in ClinVar:

ClinVar aggregate classification (germline): Conflicting classifications of pathogenicity. Review status: criteria provided, conflicting classifications (1 of 4 stars). 4 submissions from 4 submitters: Uncertain significance (3); Likely benign (1). Last evaluated 2025-09-24.

Conditions:
Birt-Hogg-Dube syndrome. Also called: Birt Hogg Dubé syndrome. Identifiers: Orphanet 122, MedGen C0346010, MONDO:0800444.
Hereditary cancer-predisposing syndrome. Also called: Tumor predisposition; Hereditary Cancer Syndrome; Neoplastic Syndromes, Hereditary; Hereditary neoplastic syndrome. Identifiers: Orphanet 140162, MedGen C0027672, MeSH D009386, MONDO:0015356.

Allele frequency attached by ClinVar (database versions not stated): ExAC 0.00001; gnomAD exomes 0.00001.
gnomAD v4.1: 1 of 1,614,016 alleles (0.000062%); highest among the groups gnomAD compares: Non-Finnish European, 0.000085%; no homozygotes.

Submissions (4):

Labcorp Genetics (formerly Invitae), Labcorp
Classification: Uncertain significance for Birt-Hogg-Dube syndrome. Last evaluated: 2025-09-24. Review status: criteria provided, single submitter. Criteria: Invitae Variant Classification Sherloc (09022015). Collection method: clinical testing. Allele origin: germline.
Comment: This sequence change replaces isoleucine, which is neutral and non-polar, with phenylalanine, which is neutral and non-polar, at codon 438 of the FLCN protein (p.Ile438Phe). This variant is present in population databases (rs759743111, gnomAD 0.002%). This variant has not been reported in the literature in individuals affected with FLCN-related conditions. ClinVar contains an entry for this variant (Variation ID: 1011242). Invitae Evidence Modeling of protein sequence and biophysical properties (such as structural, functional, and spatial information, amino acid conservation, physicochemical variation, residue mobility, and thermodynamic stability) indicates that this missense variant is not expected to disrupt FLCN protein function with a negative predictive value of 80%. In summary, the available evidence is currently insufficient to determine the role of this variant in disease. Therefore, it has been classified as a Variant of Uncertain Significance.

GeneDx
Classification: Uncertain significance. Last evaluated: 2024-07-05. Review status: criteria provided, single submitter. Criteria: GeneDx Variant Classification Process June 2021. Collection method: clinical testing. Allele origin: germline. Affected: yes.
Comment: Not observed at significant frequency in large population cohorts (gnomAD); In silico analysis indicates that this missense variant does not alter protein structure/function; Has not been previously published as pathogenic or benign to our knowledge; This variant is associated with the following publications: (PMID: 17028174)

Ambry Genetics
Classification: Likely benign for Hereditary cancer-predisposing syndrome. Last evaluated: 2022-09-21. Review status: criteria provided, single submitter. Criteria: Ambry Variant Classification Scheme 2023. Collection method: clinical testing. Allele origin: germline.

Sema4
Classification: Uncertain significance for Hereditary cancer-predisposing syndrome. Last evaluated: 2022-02-10. Review status: criteria provided, single submitter. Criteria: Sema4 Curation Guidelines. Collection method: curation. Allele origin: germline.
Comment: To the best of our knowledge, the FLCN c.1312A>T (p.I438F) variant has not been reported in individuals with FLCN-related disease. It was observed in 2/113104 chromosomes of the Non-Finnish European subpopulation in the Genome Aggregation Database (PMID: 32461654). This variant has been reported in ClinVar (Variation ID 1011242). Functional studies have not been performed, and in silico predictions of the variant's effect on protein function are inconclusive. The evidence is insufficient to meet ACMG/AMP criteria for classifying the variant as benign or pathogenic. Thus, the clinical significance of this variant is currently uncertain.

NM_144997.7(FLCN):c.1312A>T (p.Ile438Phe)

Gene: FLCN (folliculin; minus strand). Cytogenetic location: 17p11.2.
Variant type: single nucleotide variant.
Coding change: c.1312A>T on transcript NM_144997.7 (MANE Select); coding-DNA position 1312, A replaced by T.
Protein change: p.Ile438Phe; replaces isoleucine 438 with phenylalanine.
Molecular consequence: missense variant.
Genome position (GRCh38, 1-based): chr17:17,215,305, T>A on the plus strand (A>T on the coding strand, the complement: FLCN is on the minus strand). VCF-style: chr17-17215305-T-A. GRCh37 (hg19) VCF-style: chr17-17118619-T-A.
Other names: c.1366A>T, p.Ile456Phe (NM_001353229.2); c.1312A>T, p.Ile438Phe (NM_001353230.2, NM_001353231.2); short protein forms I438F, I456F.
Identifiers: ClinVar variation 1011242 (VCV001011242.9), dbSNP rs759743111, ClinGen allele CA8416034.
Genomic context (GRCh38, chr17:17,215,305, plus strand): 5'-GGTCATCCTCACACCCCACAGGGTGGAGGGTGGAACGTGCGGCTGCGTGGACCTCCACGA[T>A]GACAGCAAACTCTGTAACAACACAAGGCCCGTGGCTCCTCATCTCCCCCATGCTCCTCAC-3'
Protein context (NP_659434.2, residues 428-448): PHVLSSEFAV[Ile438Phe]VEVHAAARST